The following is an entry in ClinVar:

NM_001070.5(TUBG1):c.1115G>A (p.Arg372Gln)

Gene: TUBG1 (tubulin gamma 1; plus strand). Cytogenetic location: 17q21.2.
Variant type: single nucleotide variant.
Coding change: c.1115G>A on transcript NM_001070.5 (MANE Select); coding-DNA position 1115, G replaced by A.
Protein change: p.Arg372Gln; replaces arginine 372 with glutamine.
Molecular consequence: missense variant.
Genome position (GRCh38, 1-based): chr17:42,614,614, G>A. VCF-style: chr17-42614614-G-A. GRCh37 (hg19) VCF-style: chr17-40766632-G-A.
Other names: NC_000017.10:g.40766632G>A; short protein forms R372Q.
Identifiers: ClinVar variation 3184779 (VCV003184779.4), dbSNP rs2510736238, ClinGen allele CA399629493.
Genomic context (GRCh38, chr17:42,614,614, plus strand): 5'-GCCCCGCCAGCATCCAGGTGGCCCTGTCGAGGAAGTCTCCCTACCTGCCCTCGGCCCACC[G>A]GGTCAGCGGGCTCATGATGGCCAACCACACCAGCATCTCCTCGGTGAGTCTCAAAGTTTG-3'
Protein context (NP_001061.2, residues 362-382): RKSPYLPSAH[Arg372Gln]VSGLMMANHT

ClinVar aggregate classification (germline): Uncertain significance (1 of 4 stars; one submission).

Conditions:
Inborn genetic diseases. Identifiers: MedGen C0950123, MeSH D030342.

Allele frequency attached by ClinVar (database versions not stated): gnomAD exomes below 0.00001.
gnomAD v4.1: 1 of 1,614,114 alleles (0.000062%); highest among the groups gnomAD compares: Non-Finnish European, 0.000085%; no homozygotes.

Submissions (2):

Ambry Genetics
Classification: Uncertain significance for Inborn genetic diseases. Last evaluated: 2026-04-30. Review status: criteria provided, single submitter. Criteria: Ambry Variant Classification Scheme 2023. Collection method: clinical testing. Allele origin: germline.
Comment: The c.1115G>A (p.R372Q) alteration is located in coding exon 10 of the TUBG1 gene. This alteration results from a G to A substitution at nucleotide position 1115, causing the arginine (R) at amino acid position 372 to be replaced by a glutamine (Q). This variant was not reported in population-based cohorts in the Genome Aggregation Database (gnomAD). This amino acid position is highly conserved in available vertebrate species. This missense alteration is located in a region that has a low rate of benign missense variation (Lek, 2016; Firth, 2009). This alteration is predicted to be deleterious by in silico analysis. Based on insufficient or conflicting evidence, the clinical significance of this alteration remains unclear.

Dr. Peter K. Rogan Lab, Western University
No classification provided (evidence only). Condition: Squamous cell carcinoma of the head and neck. Review status: no classification provided. Collection method: in vitro. Allele origin: not applicable. Functional consequence: retained intron. Not counted in ClinVar's aggregate classification.